The following is an entry in ClinVar:

ClinVar aggregate classification (germline): Pathogenic (1 of 4 stars; one submission).

Conditions:
Familial thoracic aortic aneurysm and aortic dissection (TAAD). Also called: Thoracic aortic aneurysms and dissections. Identifiers: Orphanet 91387, MedGen C4707243, MONDO:0019625.

Submission:

Ambry Genetics
Classification: Pathogenic for Familial thoracic aortic aneurysm and aortic dissection. Last evaluated: 2019-07-10. Review status: criteria provided, single submitter. Criteria: Ambry Variant Classification Scheme 2023. Collection method: clinical testing. Allele origin: germline.
Comment: The p.E2152* pathogenic mutation (also known as c.6454G>T), located in coding exon 52 of the FBN1 gene, results from a G to T substitution at nucleotide position 6454. This changes the amino acid from a glutamic acid to a stop codon within coding exon 52. This alteration is expected to result in loss of function by premature protein truncation or nonsense-mediated mRNA decay. As such, this alteration is interpreted as a disease-causing mutation.

NM_000138.5(FBN1):c.6454G>T (p.Glu2152Ter)

Gene: FBN1 (fibrillin 1; minus strand). Cytogenetic location: 15q21.1.
Variant type: single nucleotide variant.
Coding change: c.6454G>T on transcript NM_000138.5 (MANE Select); coding-DNA position 6454, G replaced by T.
Protein change: p.Glu2152Ter; replaces glutamic acid 2152 with a stop codon.
Molecular consequence: nonsense.
Genome position (GRCh38, 1-based): chr15:48,437,003, C>A on the plus strand (G>T on the coding strand, the complement: FBN1 is on the minus strand). VCF-style: chr15-48437003-C-A. GRCh37 (hg19) VCF-style: chr15-48729200-C-A.
Other names: c.6454G>T, p.Glu2152Ter (NM_001406716.1); short protein forms E2152*.
Identifiers: ClinVar variation 1753616 (VCV001753616.2), dbSNP rs777877864, ClinGen allele CA392336510.